The following is an entry in ClinVar:

ClinVar aggregate classification (germline): Pathogenic. Review status: criteria provided, multiple submitters, no conflicts (2 of 4 stars). 2 submissions from 2 submitters: Pathogenic (2). Last evaluated 2022-05-27.

Submissions (2):

Clinical Genetics Laboratory, Skane University Hospital Lund
Classification: Pathogenic. Last evaluated: 2022-05-27. Review status: criteria provided, single submitter. Criteria: ACMG Guidelines, 2015. Collection method: clinical testing. Allele origin: germline. Affected: yes.

GeneDx
Classification: Pathogenic. Last evaluated: 2015-05-04. Review status: criteria provided, single submitter. Criteria: GeneDx Variant Classification (06012015). Collection method: clinical testing. Allele origin: germline. Affected: yes.
Comment: The Q383X variant in the PKP2 gene has not been reported as a pathogenic variant or as a benignpolymorphism to our knowledge. Q383X is predicted to cause loss of normal protein function either by protein truncation or nonsense-mediated mRNA decay. Other nonsense variants in the PKP2 gene have been reported in HGMD in association with ARVC (Stenson P et al., 2014).In summary, Q383X in the PKP2 gene is interpreted as a pathogenic variant.

NM_001005242.3(PKP2):c.1147C>T (p.Gln383Ter)

Gene: PKP2 (plakophilin 2; minus strand). Cytogenetic location: 12p11.21.
Variant type: single nucleotide variant.
Coding change: c.1147C>T on transcript NM_001005242.3 (MANE Select); coding-DNA position 1147, C replaced by T.
Protein change: p.Gln383Ter; replaces glutamine 383 with a stop codon.
Molecular consequence: nonsense.
Genome position (GRCh38, 1-based): chr12:32,868,950, G>A on the plus strand (C>T on the coding strand, the complement: PKP2 is on the minus strand). VCF-style: chr12-32868950-G-A. GRCh37 (hg19) VCF-style: chr12-33021884-G-A.
Other names: c.1147C>T, p.Gln383Ter (NM_004572.4); short protein forms Q383*.
Identifiers: ClinVar variation 379575 (VCV000379575.3), dbSNP rs1057520650, ClinGen allele CA16606262.